The following is an entry in ClinVar:

ClinVar aggregate classification (germline): Conflicting classifications of pathogenicity. Review status: criteria provided, conflicting classifications (1 of 4 stars). 4 submissions from 4 submitters: Pathogenic (2); Uncertain significance (2). Last evaluated 2026-06-01.

Conditions:
Endometrial carcinoma. Also called: Endometrial carcinoma, somatic. Identifiers: MedGen C0476089, MONDO:0002447, OMIM 608089, HP:0012114.
Colorectal cancer, hereditary nonpolyposis, type 7. Identifiers: Orphanet 144, MedGen C1858380, MONDO:0013725, OMIM 614385.
Colorectal cancer. Also called: Malignant Colorectal Neoplasm; Colorectal cancer, somatic. Identifiers: MedGen C0346629, MONDO:0005575, OMIM 114500.

Allele frequency attached by ClinVar (database versions not stated): TOPMed 0.00002; gnomAD 0.00001.
gnomAD v4.1: 4 of 1,610,718 alleles (0.00025%); highest among the groups gnomAD compares: Non-Finnish European, 0.00034%; no homozygotes.

Submissions (4):

Ambry Genetics
Classification: Pathogenic. Last evaluated: 2026-06-01. Review status: criteria provided, single submitter. Criteria: Ambry Variant Classification Scheme 2023. Collection method: clinical testing. Allele origin: germline.
Comment: The p.Q1245* pathogenic mutation (also known as c.3733C>T), located in coding exon 7 of the MLH3 gene, results from a C to T substitution at nucleotide position 3733. This changes the amino acid from a glutamine to a stop codon within coding exon 7. This variant is considered to be rare based on population cohorts in the Genome Aggregation Database (gnomAD). This alteration is expected to result in loss of function by premature protein truncation or nonsense-mediated mRNA decay. As such, this alteration is interpreted as a disease-causing mutation.

Myriad Genetics, Inc.
Classification: Pathogenic for Colorectal cancer, hereditary nonpolyposis, type 7. Last evaluated: 2026-04-14. Review status: criteria provided, single submitter. Criteria: Myriad Autosomal Dominant, Autosomal Recessive and X-Linked Classification Criteria (2023). Collection method: clinical testing. Allele origin: unknown.
Comment: This variant is considered pathogenic. This variant creates a termination codon and is predicted to result in premature protein truncation.

Dasa
Classification: Uncertain significance. Last evaluated: 2025-07-03. Review status: criteria provided, single submitter. Criteria: DASA Assertion Criteria. Collection method: clinical testing. Allele origin: germline.
Comment: NM_001040108.2(MLH3):c.3733C>T (p.Gln1245*) is a nonsense variant in MLH3 predicted to introduce a premature termination codon. This variant is rare in population databases. The currently available literature and clinical evidence are not sufficient to establish a definitive association between this variant and the reported condition. Therefore, this variant is classified as a variant of uncertain significance.

Fulgent Genetics
Classification: Uncertain significance for Colorectal cancer; Endometrial carcinoma; Colorectal cancer, hereditary nonpolyposis, type 7. Last evaluated: 2024-06-18. Review status: criteria provided, single submitter. Criteria: ACMG Guidelines, 2015. Collection method: clinical testing. Allele origin: germline.

NM_001040108.2(MLH3):c.3733C>T (p.Gln1245Ter)

Gene: MLH3 (mutL homolog 3; minus strand). Cytogenetic location: 14q24.3.
Variant type: single nucleotide variant.
Coding change: c.3733C>T on transcript NM_001040108.2 (MANE Select); coding-DNA position 3733, C replaced by T.
Protein change: p.Gln1245Ter; replaces glutamine 1245 with a stop codon.
Molecular consequence: nonsense.
Genome position (GRCh38, 1-based): chr14:75,032,162, G>A on the plus strand (C>T on the coding strand, the complement: MLH3 is on the minus strand). VCF-style: chr14-75032162-G-A. GRCh37 (hg19) VCF-style: chr14-75498865-G-A.
Other names: c.3661C>T, p.Gln1221Ter (NM_014381.3); short protein forms Q1221*, Q1245*.
Identifiers: ClinVar variation 1734408 (VCV001734408.8), dbSNP rs1349822122, ClinGen allele CA390425026.